The following is an entry in ClinVar:

ClinVar aggregate classification (germline): Uncertain significance (1 of 4 stars; one submission).

Submission:

CeGaT Center for Human Genetics Tuebingen
Classification: Uncertain significance. Last evaluated: 2026-02-01. Review status: criteria provided, single submitter. Criteria: CeGaT Center For Human Genetics Tuebingen Variant Classification Criteria Version 2. Collection method: clinical testing. Allele origin: germline. Affected: yes. Observed: 1 variant allele.
Comment: ZMYND8: PM2

NM_001281775.3(ZMYND8):c.1487C>T (p.Pro496Leu)

Gene: ZMYND8 (zinc finger MYND-type containing 8; minus strand). Cytogenetic location: 20q13.12.
Variant type: single nucleotide variant.
Coding change: c.1487C>T on transcript NM_001281775.3 (MANE Select); coding-DNA position 1487, C replaced by T.
Protein change: p.Pro496Leu; replaces proline 496 with leucine.
Molecular consequence: missense variant. On other transcripts: intron variant (2).
Genome position (GRCh38, 1-based): chr20:47,262,422, G>A on the plus strand (C>T on the coding strand, the complement: ZMYND8 is on the minus strand). VCF-style: chr20-47262422-G-A. GRCh37 (hg19) VCF-style: chr20-45891166-G-A.
Other names: c.1412C>T, p.Pro471Leu (NM_001281771.3, NM_001281777.3, NM_001281778.3 and 2 more transcripts); c.1427C>T, p.Pro476Leu (NM_001281772.3, NM_001281773.3, NM_001281774.3 and 1 more transcripts); c.1487C>T, p.Pro496Leu (NM_001281776.3, NM_001281783.3, NM_012408.6 and 1 more transcripts); c.683C>T, p.Pro228Leu (NM_001281779.3, NM_001281780.3); c.1508C>T, p.Pro503Leu (NM_001363714.1); c.1406-12983C>T (NM_001281781.3, NM_001281784.3); short protein forms P228L, P471L, P476L, P496L, P503L.
Identifiers: ClinVar variation 4823312 (VCV004823312.4).